The following is an entry in ClinVar:

NM_000023.4(SGCA):c.801dup (p.Ile268fs)

Gene: SGCA (sarcoglycan alpha; plus strand). Cytogenetic location: 17q21.33.
Variant type: Duplication.
Coding change: c.801dup on transcript NM_000023.4 (MANE Select); coding-DNA position 801, one base duplicated (G; older notation c.801dupG).
Protein change: p.Ile268fs; shifts the reading frame from isoleucine 268.
Molecular consequence: frameshift variant. On other transcripts: intron variant (1).
Genome position (GRCh38, 1-based): chr17:50,170,196, G duplicated; the last of 3 consecutive G bases (chr17:50,170,194-50,170,196); duplicating any one gives the same sequence. VCF-style (leftmost placement, unchanged base first): chr17-50170193-T-TG. GRCh37 (hg19) VCF-style: chr17-48247554-T-TG.
Other names: c.585-444dup (NM_001135697.3); short protein forms I268fs.
Identifiers: ClinVar variation 852690 (VCV000852690.9), dbSNP rs1905256830, ClinGen allele CA916080936.

ClinVar aggregate classification (germline): Pathogenic/Likely pathogenic. Review status: criteria provided, multiple submitters, no conflicts (2 of 4 stars). 2 submissions from 2 submitters: Pathogenic (1); Likely pathogenic (1). Last evaluated 2023-03-20.

Conditions:
Autosomal recessive limb-girdle muscular dystrophy type 2D (LGMDR3). Also called: MUSCULAR DYSTROPHY, LIMB-GIRDLE, AUTOSOMAL RECESSIVE 3; DUCHENNE-LIKE AUTOSOMAL RECESSIVE MUSCULAR DYSTROPHY, TYPE 2; ADHALINOPATHY, PRIMARY. Identifiers: Orphanet 62, MedGen C2936332, MONDO:0011968, OMIM 608099. Disease mechanism: Affects gamma-sarcoglycan and also disrupts the integrity of the entire sarcoglycan complex..

Submissions (2):

Baylor Genetics
Classification: Likely pathogenic for Autosomal recessive limb-girdle muscular dystrophy type 2D. Last evaluated: 2023-03-20. Review status: criteria provided, single submitter. Criteria: ACMG Guidelines, 2015. Collection method: clinical testing. Allele origin: unknown.

Labcorp Genetics (formerly Invitae), Labcorp
Classification: Pathogenic for Autosomal recessive limb-girdle muscular dystrophy type 2D. Last evaluated: 2021-07-13. Review status: criteria provided, single submitter. Criteria: Invitae Variant Classification Sherloc (09022015). Collection method: clinical testing. Allele origin: germline.
Comment: This sequence change creates a premature translational stop signal (p.Ile268Aspfs*5) in the SGCA gene. It is expected to result in an absent or disrupted protein product. Loss-of-function variants in SGCA are known to be pathogenic (PMID: 9192266). This variant is not present in population databases (ExAC no frequency). This variant has not been reported in the literature in individuals affected with SGCA-related conditions. ClinVar contains an entry for this variant (Variation ID: 852690). For these reasons, this variant has been classified as Pathogenic.

Literature cited by the submitters: PubMed 9192266 (cited by Labcorp Genetics (formerly Invitae), Labcorp).